The following is an entry in ClinVar:

NM_003072.5(SMARCA4):c.1594-5T>G

Gene: SMARCA4 (SWI/SNF related BAF chromatin remodeling complex subunit ATPase 4; plus strand). Cytogenetic location: 19p13.2.
Variant type: single nucleotide variant.
Coding change: c.1594-5T>G on transcript NM_003072.5 (MANE Select); 5 bases into the intron before coding-DNA position 1594, T replaced by G.
Molecular consequence: intron variant.
Genome position (GRCh38, 1-based): chr19:10,996,208, T>G. VCF-style: chr19-10996208-T-G. GRCh37 (hg19) VCF-style: chr19-11106884-T-G.
Other names: c.1594-5T>G (NM_001128844.3, NM_001128849.3, NM_001128847.4 and 5 more transcripts).
Identifiers: ClinVar variation 1057493 (VCV001057493.9), dbSNP rs1223041498, ClinGen allele CA2499225274.

ClinVar aggregate classification (germline): Uncertain significance (1 of 4 stars; one submission).

Conditions:
Rhabdoid tumor predisposition syndrome 2 (RTPS2). Identifiers: Orphanet 231108, Orphanet 69077, MedGen C2750074, MONDO:0013224, OMIM 613325.

Submission:

Labcorp Genetics (formerly Invitae), Labcorp
Classification: Uncertain significance for Rhabdoid tumor predisposition syndrome 2. Last evaluated: 2020-02-14. Review status: criteria provided, single submitter. Criteria: Invitae Variant Classification Sherloc (09022015). Collection method: clinical testing. Allele origin: germline.
Comment: In summary, the available evidence is currently insufficient to determine the role of this variant in disease. Therefore, it has been classified as a Variant of Uncertain Significance. Algorithms developed to predict the effect of sequence changes on RNA splicing suggest that this variant may disrupt the consensus splice site, but this prediction has not been confirmed by published transcriptional studies. This variant has not been reported in the literature in individuals with SMARCA4-related conditions. This variant is not present in population databases (ExAC no frequency). This sequence change falls in intron 9 of the SMARCA4 gene. It does not directly change the encoded amino acid sequence of the SMARCA4 protein.